The following is an entry in ClinVar:

ClinVar aggregate classification (germline): Uncertain significance (1 of 4 stars; one submission).

Submission:

Labcorp Genetics (formerly Invitae), Labcorp
Classification: Uncertain significance. Last evaluated: 2022-08-06. Review status: criteria provided, single submitter. Criteria: Invitae Variant Classification Sherloc (09022015). Collection method: clinical testing. Allele origin: germline.
Comment: This sequence change replaces proline, which is neutral and non-polar, with alanine, which is neutral and non-polar, at codon 820 of the MICAL1 protein (p.Pro820Ala). In summary, the available evidence is currently insufficient to determine the role of this variant in disease. Therefore, it has been classified as a Variant of Uncertain Significance. Algorithms developed to predict the effect of missense changes on protein structure and function are either unavailable or do not agree on the potential impact of this missense change (SIFT: "Deleterious"; PolyPhen-2: "Benign"; Align-GVGD: "Class C0"). This variant has not been reported in the literature in individuals affected with MICAL1-related conditions. This variant is not present in population databases (gnomAD no frequency).

NM_022765.4(MICAL1):c.2401C>G (p.Pro801Ala)

Gene: MICAL1 (microtubule associated monooxygenase, calponin and LIM domain containing 1; minus strand). Cytogenetic location: 6q21.
Variant type: single nucleotide variant.
Coding change: c.2401C>G on transcript NM_022765.4 (MANE Select); coding-DNA position 2401, C replaced by G.
Protein change: p.Pro801Ala; replaces proline 801 with alanine.
Molecular consequence: missense variant.
Genome position (GRCh38, 1-based): chr6:109,446,316, G>C on the plus strand (C>G on the coding strand, the complement: MICAL1 is on the minus strand). VCF-style: chr6-109446316-G-C. GRCh37 (hg19) VCF-style: chr6-109767519-G-C.
Other names: c.2143C>G, p.Pro715Ala (NM_001159291.2); c.2458C>G, p.Pro820Ala (NM_001286613.2); short protein forms P801A, P820A, P715A.
Identifiers: ClinVar variation 2022195 (VCV002022195.4), dbSNP rs1775213929, ClinGen allele CA365223744.